The following is an entry in ClinVar:

ClinVar aggregate classification (germline): Uncertain significance (1 of 4 stars; one submission).

Conditions:
Primary ciliary dyskinesia. Also called: Ciliary dyskinesia. Identifiers: Orphanet 244, MedGen C0008780, MONDO:0016575, HP:0012265.

Submission:

Ambry Genetics
Classification: Uncertain significance for Primary ciliary dyskinesia. Last evaluated: 2026-08-08. Review status: criteria provided, single submitter. Criteria: Ambry Variant Classification Scheme 2023. Collection method: clinical testing. Allele origin: germline.
Comment: The p.D415Y variant (also known as c.1243G>T), located in coding exon 10 of the SPAG1 gene, results from a G to T substitution at nucleotide position 1243. The aspartic acid at codon 415 is replaced by tyrosine, an amino acid with highly dissimilar properties. This amino acid position is conserved. In addition, this alteration is predicted to be tolerated by in silico analysis. Based on the available evidence, the clinical significance of this variant remains unclear.

NM_003114.5(SPAG1):c.1243G>T (p.Asp415Tyr)

Genes: SPAG1 (sperm associated antigen 1; plus strand), LOC130000832 (ATAC-STARR-seq lymphoblastoid silent region 19412; plus strand). Cytogenetic location: 8q22.2.
Variant type: single nucleotide variant.
Coding change: c.1243G>T on transcript NM_003114.5 (MANE Select); coding-DNA position 1243, G replaced by T.
Protein change: p.Asp415Tyr; replaces aspartic acid 415 with tyrosine.
Molecular consequence: missense variant.
Genome position (GRCh38, 1-based): chr8:100,213,236, G>T. VCF-style: chr8-100213236-G-T. GRCh37 (hg19) VCF-style: chr8-101225464-G-T.
Other names: c.1243G>T, p.Asp415Tyr (NM_001374321.1, NM_172218.3); short protein forms D415Y.
Identifiers: ClinVar variation 5030063 (VCV005030063.1).